The following is an entry in ClinVar:

NM_001165963.4(SCN1A):c.3146_3150dup (p.Leu1051fs)

Genes: SCN1A (sodium voltage-gated channel alpha subunit 1; minus strand), LOC102724058 (uncharacterized LOC102724058; plus strand). Cytogenetic location: 2q24.3.
Variant type: Duplication.
Coding change: c.3146_3150dup on transcript NM_001165963.4 (MANE Select); coding-DNA positions 3146 to 3150, 5 bases duplicated (AACCA; older notation c.3146_3150dupAACCA).
Protein change: p.Leu1051fs; shifts the reading frame from leucine 1051.
Molecular consequence: frameshift variant. On other transcripts: non-coding transcript variant (2).
Genome position (GRCh38, 1-based): chr2:166,036,327-166,036,331, TGGTT duplicated on the plus strand (AACCA on the coding strand, the reverse complement: SCN1A is on the minus strand); duplicating any 5 consecutive bases within chr2:166,036,327-166,036,332 gives the same sequence; the c. name uses the placement nearest the transcript's 3' end. VCF-style (leftmost placement, unchanged base first): chr2-166036326-G-GTGGTT. GRCh37 (hg19) VCF-style: chr2-166892836-G-GTGGTT.
Other names: c.3062_3066dup, p.Leu1023fs (NM_001165964.3, NM_001353957.2, NM_001353958.2); c.3146_3150dup, p.Leu1051fs (NM_001202435.3, NM_001353948.2); c.3113_3117dup, p.Leu1040fs (NM_001353949.2, NM_001353950.2, NM_001353951.2 and 2 more transcripts); c.3110_3114dup, p.Leu1039fs (NM_001353954.2, NM_001353955.2); c.3059_3063dup, p.Leu1022fs (NM_001353960.2); c.704_708dup, p.Leu237fs (NM_001353961.2); short protein forms L1040fs, L1022fs, L1051fs, L237fs, L1023fs, L1039fs.
Identifiers: ClinVar variation 3728845 (VCV003728845.2).

ClinVar aggregate classification (germline): Pathogenic (1 of 4 stars; one submission).

Conditions:
Early-infantile DEE. Also called: Early infantile epileptic encephalopathy; Ohtahara syndrome; Early infantile epileptic encephalopathy with suppression bursts. Identifiers: Orphanet 1934, MedGen C0393706, MONDO:0800491.

Submission:

Labcorp Genetics (formerly Invitae), Labcorp
Classification: Pathogenic for Early-infantile DEE. Last evaluated: 2025-01-12. Review status: criteria provided, single submitter. Criteria: Invitae Variant Classification Sherloc (09022015). Collection method: clinical testing. Allele origin: germline.
Comment: This sequence change creates a premature translational stop signal (p.Leu1051Asnfs*6) in the SCN1A gene. It is expected to result in an absent or disrupted protein product. Loss-of-function variants in SCN1A are known to be pathogenic (PMID: 17347258, 18930999). This variant is not present in population databases (gnomAD no frequency). This variant has not been reported in the literature in individuals affected with SCN1A-related conditions. For these reasons, this variant has been classified as Pathogenic.

Literature cited by the submitters: PubMed 17347258; PubMed 18930999.